The following is an entry in ClinVar:

ClinVar aggregate classification (germline): Uncertain significance (1 of 4 stars; one submission).

Allele frequency attached by ClinVar (database versions not stated): gnomAD exomes below 0.00001; ExAC 0.00001; gnomAD 0.00001; TOPMed 0.00001.
gnomAD v4.1: 3 of 1,613,904 alleles (0.00019%); highest among the groups gnomAD compares: East Asian, 0.0067%; no homozygotes.

Submission:

Labcorp Genetics (formerly Invitae), Labcorp
Classification: Uncertain significance. Last evaluated: 2022-06-23. Review status: criteria provided, single submitter. Criteria: Invitae Variant Classification Sherloc (09022015). Collection method: clinical testing. Allele origin: germline.
Comment: This sequence change replaces alanine, which is neutral and non-polar, with valine, which is neutral and non-polar, at codon 299 of the NRIP1 protein (p.Ala299Val). This variant is present in population databases (rs779641400, gnomAD 0.02%). This variant has not been reported in the literature in individuals affected with NRIP1-related conditions. Algorithms developed to predict the effect of missense changes on protein structure and function (SIFT, PolyPhen-2, Align-GVGD) all suggest that this variant is likely to be disruptive. In summary, the available evidence is currently insufficient to determine the role of this variant in disease. Therefore, it has been classified as a Variant of Uncertain Significance.

NM_003489.4(NRIP1):c.896C>T (p.Ala299Val)

Gene: NRIP1 (nuclear receptor interacting protein 1; minus strand). Cytogenetic location: 21q11.2.
Variant type: single nucleotide variant.
Coding change: c.896C>T on transcript NM_003489.4 (MANE Select); coding-DNA position 896, C replaced by T.
Protein change: p.Ala299Val; replaces alanine 299 with valine.
Molecular consequence: missense variant.
Genome position (GRCh38, 1-based): chr21:14,967,297, G>A on the plus strand (C>T on the coding strand, the complement: NRIP1 is on the minus strand). VCF-style: chr21-14967297-G-A. GRCh37 (hg19) VCF-style: chr21-16339618-G-A.
Other names: short protein forms A299V.
Identifiers: ClinVar variation 1967381 (VCV001967381.5), dbSNP rs779641400, ClinGen allele CA9981429.